The following is an entry in ClinVar:

ClinVar aggregate classification (germline): Uncertain significance (1 of 4 stars; one submission).

Conditions:
Inborn genetic diseases. Identifiers: MedGen C0950123, MeSH D030342.

gnomAD v4.1: 4 of 1,613,528 alleles (0.00025%); highest among the groups gnomAD compares: Non-Finnish European, 0.00034%; no homozygotes.

Submission:

Ambry Genetics
Classification: Uncertain significance for Inborn genetic diseases. Last evaluated: 2025-08-19. Review status: criteria provided, single submitter. Criteria: Ambry Variant Classification Scheme 2023. Collection method: clinical testing. Allele origin: germline.
Comment: The p.T1370I variant (also known as c.4109C>T), located in coding exon 1 of the SAMD9 gene, results from a C to T substitution at nucleotide position 4109. The threonine at codon 1370 is replaced by isoleucine, an amino acid with similar properties. This amino acid position is conserved. In addition, this alteration is predicted to be tolerated by in silico analysis. Based on the available evidence, the clinical significance of this variant remains unclear.

NM_017654.4(SAMD9):c.4109C>T (p.Thr1370Ile)

Gene: SAMD9 (sterile alpha motif domain containing 9; minus strand). Cytogenetic location: 7q21.2.
Variant type: single nucleotide variant.
Coding change: c.4109C>T on transcript NM_017654.4 (MANE Select); coding-DNA position 4109, C replaced by T.
Protein change: p.Thr1370Ile; replaces threonine 1370 with isoleucine.
Molecular consequence: missense variant.
Genome position (GRCh38, 1-based): chr7:93,101,989, G>A on the plus strand (C>T on the coding strand, the complement: SAMD9 is on the minus strand). VCF-style: chr7-93101989-G-A. GRCh37 (hg19) VCF-style: chr7-92731302-G-A.
Other names: c.4109C>T, p.Thr1370Ile (NM_001193307.2); short protein forms T1370I.
Identifiers: ClinVar variation 4159155 (VCV004159155.1).